The following is an entry in ClinVar:

NM_000213.5(ITGB4):c.599C>T (p.Pro200Leu)

Gene: ITGB4 (integrin subunit beta 4; plus strand). Cytogenetic location: 17q25.1.
Variant type: single nucleotide variant.
Coding change: c.599C>T on transcript NM_000213.5 (MANE Select); coding-DNA position 599, C replaced by T.
Protein change: p.Pro200Leu; replaces proline 200 with leucine.
Molecular consequence: missense variant.
Genome position (GRCh38, 1-based): chr17:75,729,297, C>T. VCF-style: chr17-75729297-C-T. GRCh37 (hg19) VCF-style: chr17-73725378-C-T.
Other names: c.599C>T, p.Pro200Leu (NM_001005619.2, NM_001005731.3, NM_001321123.2); c.599C>T (NM_000213.3); short protein forms P200L.
Identifiers: ClinVar variation 1049619 (VCV001049619.12), dbSNP rs148770294, ClinGen allele CA8768728.

ClinVar aggregate classification (germline): Conflicting classifications of pathogenicity. Review status: criteria provided, conflicting classifications (1 of 4 stars). 5 submissions from 5 submitters: Uncertain significance (1); Likely benign (2). 2 of the submissions do not count toward it. Last evaluated 2025-10-24.

Conditions:
Epidermolysis bullosa, junctional 5A, intermediate. Also called: EPIDERMOLYSIS BULLOSA, JUNCTIONAL 5A, GENERALIZED INTERMEDIATE; EPIDERMOLYSIS BULLOSA, JUNCTIONAL 5A, NON-HERLITZ TYPE. Identifiers: MedGen C5676956, MONDO:0030768, OMIM 619816.
Junctional epidermolysis bullosa with pyloric atresia. Also called: Epidermolysis bullosa, junctional, with pyloric atresia and aplasia cutis congenita; Epidermolysis bullosa junctionalis with pyloric atresia; EPIDERMOLYSIS BULLOSA, JUNCTIONAL 5B, WITH PYLORIC ATRESIA; EB-PA-ACC; ITGB4-Related Epidermolysis Bullosa with Pyloric Atresia; ITGA6-Related Epidermolysis Bullosa with Pyloric Atresia. Identifiers: Orphanet 79403, MedGen C5676875, MONDO:0009183, OMIM 226730.
ITGB4-related disorder. Also called: ITGB4-related condition.

Allele frequency attached by ClinVar (database versions not stated): 1000 Genomes Project 30x 0.00031; 1000 Genomes Project 0.00040; ESP Exome Variant Server 0.00085.
gnomAD v4.1: 1,461 of 1,614,212 alleles (0.091%); highest among the groups gnomAD compares: Non-Finnish European, 0.099%; 1 homozygote.

Submissions (5):

Labcorp Genetics (formerly Invitae), Labcorp
Classification: Likely benign. Last evaluated: 2025-10-24. Review status: criteria provided, single submitter. Criteria: Invitae Variant Classification Sherloc (09022015). Collection method: clinical testing. Allele origin: germline.

GeneDx
Classification: Uncertain significance. Last evaluated: 2025-01-26. Review status: criteria provided, single submitter. Criteria: GeneDx Variant Classification Process June 2021. Collection method: clinical testing. Allele origin: germline. Affected: yes.
Comment: In silico analysis supports that this missense variant has a deleterious effect on protein structure/function; This variant is associated with the following publications: (PMID: 23496044, 25865493)

Fulgent Genetics
Classification: Likely benign for Junctional epidermolysis bullosa with pyloric atresia; Epidermolysis bullosa, junctional 5A, intermediate. Last evaluated: 2024-03-19. Review status: criteria provided, single submitter. Criteria: ACMG Guidelines, 2015. Collection method: clinical testing. Allele origin: germline.

PreventionGenetics, part of Exact Sciences
Classification: Likely benign for ITGB4-related condition. Last evaluated: 2024-04-23. Review status: no assertion criteria provided. Collection method: clinical testing. Allele origin: germline. Not counted in ClinVar's aggregate classification.
Comment: This variant is classified as likely benign based on ACMG/AMP sequence variant interpretation guidelines (Richards et al. 2015 PMID: 25741868, with internal and published modifications).

Department of Pathology and Laboratory Medicine, Sinai Health System
Classification: Uncertain significance. Review status: no assertion criteria provided. Collection method: clinical testing. Allele origin: unknown. Affected: yes. Study: The Canadian Open Genetics Repository (COGR). Not counted in ClinVar's aggregate classification.
Comment: The ITGB4 p.Pro200Leu variant was identified in 1 of 8 patients with epidermolysis bullosa as a compound heterozygous variant and in 1 of 13 patients with phenotypes suggestive of Fine-Lubinsky syndrome with the variant inherited from the unaffected father (Schumann_2013_PMID:23496044; Niceta_2015_PMID:25865493). The variant was identified in dbSNP (ID: rs148770294) but was not identified in ClinVar. The variant was identified in control databases in 232 of 282838 chromosomes at a frequency of 0.0008203 increasing the likelihood this could be a low frequency benign variant (Genome Aggregation Database March 6, 2019, v2.1.1). The variant was observed in the following populations: European (Finnish) in 73 of 25122 chromosomes (freq: 0.002906), European (non-Finnish) in 123 of 129160 chromosomes (freq: 0.000952), Latino in 26 of 35432 chromosomes (freq: 0.000734), Other in 5 of 7224 chromosomes (freq: 0.000692), African in 4 of 24960 chromosomes (freq: 0.00016) and South Asian in 1 of 30616 chromosomes (freq: 0.000033), but was not observed in the Ashkenazi Jewish or East Asian populations. The p.Pro200 residue is conserved in mammals and computational analyses (PolyPhen-2, SIFT, AlignGVGD, BLOSUM, MutationTaster) suggest that the variant may impact the protein; however this information is not predictive enough to assume pathogenicity. The variant occurs outside of the splicing consensus sequence and in silico or computational prediction software programs (SpliceSiteFinder, MaxEntScan, NNSPLICE, GeneSplicer) do not predict a difference in splicing. In summary, based on the above information the clinical significance of this variant cannot be determined with certainty at this time. This variant is classified as a variant of uncertain significance.